The following is an entry in ClinVar:

ClinVar aggregate classification (germline): Likely pathogenic (1 of 4 stars; one submission).

Conditions:
Iodotyrosyl coupling defect (TDH3). Also called: HYPOTHYROIDISM, CONGENITAL, DUE TO DYSHORMONOGENESIS, 3; THYROID HORMONOGENESIS, GENETIC DEFECT IN, 3. Identifiers: Orphanet 95716, MedGen C0342194, MONDO:0010135, OMIM 274700.

Submission:

First Genomix Gene Laboratory, Genetic Diagnostics Department
Classification: Likely pathogenic for Iodotyrosyl coupling defect. Last evaluated: 2025-05-19. Review status: criteria provided, single submitter. Criteria: ACMG Guidelines, 2015. Collection method: clinical testing. Allele origin: germline. Inheritance: Autosomal recessive inheritance. Affected: no. Observed: 1 variant allele.

NM_003235.5(TG):c.6563-2A>T

Gene: TG (thyroglobulin; plus strand). Cytogenetic location: 8q24.22.
Variant type: single nucleotide variant.
Coding change: c.6563-2A>T on transcript NM_003235.5 (MANE Select); the canonical splice acceptor site of the intron before coding-DNA position 6563, A replaced by T.
Molecular consequence: splice acceptor variant.
Genome position (GRCh38, 1-based): chr8:133,017,776, A>T. VCF-style: chr8-133017776-A-T. GRCh37 (hg19) VCF-style: chr8-134030021-A-T.
Identifiers: ClinVar variation 4849291 (VCV004849291.1).